The following is an entry in ClinVar:

NM_000492.4(CFTR):c.307G>A (p.Gly103Arg)

Gene: CFTR (CF transmembrane conductance regulator; plus strand). Cytogenetic location: 7q31.2.
Variant type: single nucleotide variant.
Coding change: c.307G>A on transcript NM_000492.4 (MANE Select); coding-DNA position 307, G replaced by A.
Protein change: p.Gly103Arg; replaces glycine 103 with arginine.
Molecular consequence: missense variant.
Genome position (GRCh38, 1-based): chr7:117,530,932, G>A. VCF-style: chr7-117530932-G-A. GRCh37 (hg19) VCF-style: chr7-117170986-G-A.
Other names: short protein forms G103R.
Identifiers: ClinVar variation 822817 (VCV000822817.4), dbSNP rs1584784895, ClinGen allele CA368974299.

ClinVar aggregate classification (germline): Uncertain significance (1 of 4 stars; one submission).

Conditions:
Cystic fibrosis (CF). Also called: MUCOVISCIDOSIS. Identifiers: Orphanet 586, MedGen C0010674, MONDO:0009061, OMIM 219700. Disease mechanism: loss of function.

Submission:

Ambry Genetics
Classification: Uncertain significance for Cystic fibrosis. Last evaluated: 2019-10-31. Review status: criteria provided, single submitter. Criteria: Ambry Variant Classification Scheme 2023. Collection method: clinical testing. Allele origin: germline.
Comment: The p.G103R variant (also known as c.307G>A), located in coding exon 4 of the CFTR gene, results from a G to A substitution at nucleotide position 307. The glycine at codon 103 is replaced by arginine, an amino acid with dissimilar properties. This amino acid position is highly conserved in available vertebrate species. In addition, this alteration is predicted to be deleterious by in silico analysis. Since supporting evidence is limited at this time, the clinical significance of this alteration remains unclear.